The following is an entry in ClinVar:

NM_000383.4(AIRE):c.1010G>T (p.Cys337Phe)

Gene: AIRE (autoimmune regulator; plus strand). Cytogenetic location: 21q22.3.
Variant type: single nucleotide variant.
Coding change: c.1010G>T on transcript NM_000383.4 (MANE Select); coding-DNA position 1010, G replaced by T.
Protein change: p.Cys337Phe; replaces cysteine 337 with phenylalanine.
Molecular consequence: missense variant.
Genome position (GRCh38, 1-based): chr21:44,292,316, G>T. VCF-style: chr21-44292316-G-T. GRCh37 (hg19) VCF-style: chr21-45712199-G-T.
Other names: short protein forms C337F.
Identifiers: ClinVar variation 1717929 (VCV001717929.6), dbSNP rs2517883419, ClinGen allele CA410425073.
Genomic context (GRCh38, chr21:44,292,316, plus strand): 5'-CCGCTGTCTTGTTCTGCATGTCTCTGACTGGTGGACACACGAGCAGTGGGACCTGGAGGT[G>T]CTCCAGCTGCCTGCAGGCAACAGTCCAGGAGGTGCAGCCCCGGGCAGAGGAGCCCCGGCC-3'
Protein context (NP_000374.1, residues 327-347): LREIPSGTWR[Cys337Phe]SSCLQATVQE

ClinVar aggregate classification (germline): Uncertain significance. Review status: criteria provided, multiple submitters, no conflicts (2 of 4 stars). 2 submissions from 2 submitters: Uncertain significance (2). Last evaluated 2023-12-07.

Conditions:
Polyglandular autoimmune syndrome, type 1 (APS1). Also called: HYPOADRENOCORTICISM WITH HYPOPARATHYROIDISM AND SUPERFICIAL MONILIASIS; PGA I; AUTOIMMUNE POLYENDOCRINE SYNDROME, TYPE I, WITH OR WITHOUT REVERSIBLE METAPHYSEAL DYSPLASIA; APS I; Whitaker syndrome; Autoimmune polyendocrinopathy syndrome, type I. Identifiers: Orphanet 3453, MedGen C0085859, MONDO:0009411, OMIM 240300.

Submissions (2):

Labcorp Genetics (formerly Invitae), Labcorp
Classification: Uncertain significance for Polyglandular autoimmune syndrome, type 1. Last evaluated: 2023-12-07. Review status: criteria provided, single submitter. Criteria: Invitae Variant Classification Sherloc (09022015). Collection method: clinical testing. Allele origin: germline.
Comment: This sequence change replaces cysteine, which is neutral and slightly polar, with phenylalanine, which is neutral and non-polar, at codon 337 of the AIRE protein (p.Cys337Phe). This variant is not present in population databases (gnomAD no frequency). This variant has not been reported in the literature in individuals affected with AIRE-related conditions. ClinVar contains an entry for this variant (Variation ID: 1717929). Advanced modeling of protein sequence and biophysical properties (such as structural, functional, and spatial information, amino acid conservation, physicochemical variation, residue mobility, and thermodynamic stability) performed at Invitae indicates that this missense variant is expected to disrupt AIRE protein function with a positive predictive value of 95%. In summary, the available evidence is currently insufficient to determine the role of this variant in disease. Therefore, it has been classified as a Variant of Uncertain Significance.

Blueprint Genetics
Classification: Uncertain significance. Last evaluated: 2022-12-28. Review status: criteria provided, single submitter. Criteria: ACMG Guidelines, 2015. Collection method: clinical testing. Allele origin: germline.